The following is an entry in ClinVar:

NM_000195.5(HPS1):c.937+42C>T

Gene: HPS1 (HPS1 biogenesis of lysosomal organelles complex 3 subunit 1; minus strand). Cytogenetic location: 10q24.2.
Variant type: single nucleotide variant.
Coding change: c.937+42C>T on transcript NM_000195.5 (MANE Select); 42 bases into the intron after coding-DNA position 937, C replaced by T.
Molecular consequence: intron variant. On other transcripts: synonymous variant (2), 3 prime UTR variant (2).
Genome position (GRCh38, 1-based): chr10:98,429,531, G>A on the plus strand (C>T on the coding strand, the complement: HPS1 is on the minus strand). VCF-style: chr10-98429531-G-A. GRCh37 (hg19) VCF-style: chr10-100189288-G-A.
Other names: c.861C>T, p.Cys287= (NM_001322490.2); c.*4C>T (NM_001322491.2, NM_182639.4); c.762C>T, p.Cys254= (NM_001322492.2); c.568+42C>T (NM_001322483.2, NM_001322484.2); c.676+42C>T (NM_001322480.2, NM_001322481.2); c.838+42C>T (NM_001322478.2, NM_001322479.2); c.937+42C>T (NM_001322476.2, NM_001322477.2); c.469+42C>T (NM_001322485.2); and 2 more.
Identifiers: ClinVar variation 3345154 (VCV003345154.2).

ClinVar aggregate classification (germline): Likely benign. Review status: criteria provided, single submitter (1 of 4 stars). 2 submissions from 2 submitters: Likely benign (1). 1 of the submissions does not count toward it. Last evaluated 2024-11-19.

Conditions:
HPS1-related disorder. Also called: HPS1-related condition.

gnomAD v4.1: 425 of 1,613,996 alleles (0.026%); highest among the groups gnomAD compares: East Asian, 0.045%; 1 homozygote.

Submissions (2):

Blueprint Genetics
Classification: Likely benign. Last evaluated: 2024-11-19. Review status: criteria provided, single submitter. Criteria: ACMG Guidelines, 2015. Collection method: clinical testing. Allele origin: germline.

PreventionGenetics, part of Exact Sciences
Classification: Likely benign for HPS1-related condition. Last evaluated: 2024-08-30. Review status: no assertion criteria provided. Collection method: clinical testing. Allele origin: germline. Not counted in ClinVar's aggregate classification.
Comment: This variant is classified as likely benign based on ACMG/AMP sequence variant interpretation guidelines (Richards et al. 2015 PMID: 25741868, with internal and published modifications).